The following is an entry in ClinVar:

ClinVar aggregate classification (germline): Uncertain significance (1 of 4 stars; one submission).

Conditions:
Autosomal recessive limb-girdle muscular dystrophy type 2Q (LGMDR17). Also called: MUSCULAR DYSTROPHY, LIMB-GIRDLE, AUTOSOMAL RECESSIVE 17. Identifiers: Orphanet 254361, MedGen C3150989, MONDO:0013390, OMIM 613723.
Epidermolysis bullosa simplex, Ogna type (EBS5A). Also called: Pidermolysis bullosa simplex 5A, Ogna type; EPIDERMOLYSIS BULLOSA SIMPLEX 5A, OGNA TYPE. Identifiers: Orphanet 79401, MedGen C0432317, MONDO:0007555, OMIM 131950.
Epidermolysis bullosa simplex 5B, with muscular dystrophy (EBS5B). Also called: EPIDERMOLYSIS BULLOSA SIMPLEX AND LIMB-GIRDLE MUSCULAR DYSTROPHY; Epidermolysis bullosa simplex with muscular dystrophy. Identifiers: Orphanet 257, MedGen C2931072, MONDO:0009181, OMIM 226670.
Epidermolysis bullosa simplex 5C, with pyloric atresia (EBS5C). Also called: Epidermolysis bullosa simplex with pyloric atresia; PLEC-Related Epidermolysis Bullosa with Pyloric Atresia; PLEC1-Related Epidermolysis Bullosa with Pyloric Atresia. Identifiers: Orphanet 158684, MedGen C2677349, MONDO:0012807, OMIM 612138.
Epidermolysis bullosa simplex with nail dystrophy (EBS5D). Identifiers: MedGen C4225309, MONDO:0014661, OMIM 616487.

Allele frequency attached by ClinVar (database versions not stated): ExAC 0.00001; gnomAD exomes 0.00001; TOPMed 0.00002.
gnomAD v4.1: 2 of 1,599,316 alleles (0.00013%); highest among the groups gnomAD compares: Admixed American, 0.0033%; no homozygotes.

Submission:

Labcorp Genetics (formerly Invitae), Labcorp
Classification: Uncertain significance for Autosomal recessive limb-girdle muscular dystrophy type 2Q; Epidermolysis bullosa simplex, Ogna type; Epidermolysis bullosa simplex with nail dystrophy; Epidermolysis bullosa simplex 5C, with pyloric atresia; Epidermolysis bullosa simplex 5B, with muscular dystrophy. Last evaluated: 2024-06-20. Review status: criteria provided, single submitter. Criteria: Invitae Variant Classification Sherloc (09022015). Collection method: clinical testing. Allele origin: germline.
Comment: This sequence change replaces proline, which is neutral and non-polar, with serine, which is neutral and polar, at codon 2654 of the PLEC protein (p.Pro2654Ser). This variant is present in population databases (rs782795199, gnomAD 0.003%). This variant has not been reported in the literature in individuals affected with PLEC-related conditions. ClinVar contains an entry for this variant (Variation ID: 1509466). An algorithm developed to predict the effect of missense changes on protein structure and function (PolyPhen-2) suggests that this variant is likely to be tolerated. In summary, the available evidence is currently insufficient to determine the role of this variant in disease. Therefore, it has been classified as a Variant of Uncertain Significance.

NM_201384.3(PLEC):c.7879C>T (p.Pro2627Ser)

Gene: PLEC (plectin; minus strand). Cytogenetic location: 8q24.3.
Variant type: single nucleotide variant.
Coding change: c.7879C>T on transcript NM_201384.3 (MANE Select); coding-DNA position 7879, C replaced by T.
Protein change: p.Pro2627Ser; replaces proline 2627 with serine.
Molecular consequence: missense variant.
Genome position (GRCh38, 1-based): chr8:143,921,942, G>A on the plus strand (C>T on the coding strand, the complement: PLEC is on the minus strand). VCF-style: chr8-143921942-G-A. GRCh37 (hg19) VCF-style: chr8-144996110-G-A.
Other names: c.7960C>T, p.Pro2654Ser (NM_000445.5); c.7837C>T, p.Pro2613Ser (NM_201378.4); c.7813C>T, p.Pro2605Ser (NM_201379.3); c.8290C>T, p.Pro2764Ser (NM_201380.4); c.7783C>T, p.Pro2595Ser (NM_201381.3); c.7879C>T, p.Pro2627Ser (NM_201382.4); c.7891C>T, p.Pro2631Ser (NM_201383.3); short protein forms P2764S, P2605S, P2613S, P2627S, P2631S, P2654S, P2595S.
Identifiers: ClinVar variation 1509466 (VCV001509466.8), dbSNP rs782795199, ClinGen allele CA4925489.
Genomic context (GRCh38, chr8:143,921,942, plus strand): 5'-CGAAGCTGTGCTCCGGCTCTGCCTCTGCCGCGGGGCCATCAAGTGCATCCCGGCCATTGG[G>A]CAGGGTCTTTGTGGCAGCCACCTGCGAGGCAGTGACCTCCTCTGAGTGCGCCAGCGCGGC-3'
Protein context (NP_958786.1, residues 2617-2637): ASQVAATKTL[Pro2627Ser]NGRDALDGPA